The following is an entry in ClinVar:

NM_014915.3(ANKRD26):c.305G>C (p.Arg102Thr)

Gene: ANKRD26 (ankyrin repeat domain 26; minus strand). Cytogenetic location: 10p12.1.
Variant type: single nucleotide variant.
Coding change: c.305G>C on transcript NM_014915.3 (MANE Select); coding-DNA position 305, G replaced by C.
Protein change: p.Arg102Thr; replaces arginine 102 with threonine.
Molecular consequence: missense variant.
Genome position (GRCh38, 1-based): chr10:27,093,737, C>G on the plus strand (G>C on the coding strand, the complement: ANKRD26 is on the minus strand). VCF-style: chr10-27093737-C-G. GRCh37 (hg19) VCF-style: chr10-27382666-C-G.
Other names: c.305G>C, p.Arg102Thr (NM_001256053.2); short protein forms R102T.
Identifiers: ClinVar variation 3397389 (VCV003397389.2).

ClinVar aggregate classification (germline): Uncertain significance. Review status: criteria provided, multiple submitters, no conflicts (2 of 4 stars). 2 submissions from 2 submitters: Uncertain significance (2). Last evaluated 2024-12-10.

Conditions:
Inborn genetic diseases. Identifiers: MedGen C0950123, MeSH D030342.

gnomAD v4.1: 11 of 1,614,158 alleles (0.00068%); highest among the groups gnomAD compares: Non-Finnish European, 0.00093%; no homozygotes.

Submissions (2):

Ambry Genetics
Classification: Uncertain significance for Inborn genetic diseases. Last evaluated: 2024-12-10. Review status: criteria provided, single submitter. Criteria: Ambry Variant Classification Scheme 2023. Collection method: clinical testing. Allele origin: germline.
Comment: The p.R102T variant (also known as c.305G>C), located in coding exon 2 of the ANKRD26 gene, results from a G to C substitution at nucleotide position 305. The arginine at codon 102 is replaced by threonine, an amino acid with similar properties. This amino acid position is conserved. In addition, this alteration is predicted to be tolerated by in silico analysis. Based on the available evidence, the clinical significance of this variant remains unclear.

Blueprint Genetics
Classification: Uncertain significance. Last evaluated: 2024-07-08. Review status: criteria provided, single submitter. Criteria: ACMG Guidelines, 2015. Collection method: clinical testing. Allele origin: germline.